The following is an entry in ClinVar:

ClinVar aggregate classification (germline): Benign/Likely benign. Review status: criteria provided, multiple submitters, no conflicts (2 of 4 stars). 2 submissions from 2 submitters: Benign (1); Likely benign (1). Last evaluated 2026-08-01.

Allele frequency attached by ClinVar (database versions not stated): 1000 Genomes Project 0.00120; 1000 Genomes Project 30x 0.00141; TOPMed 0.00264; ESP Exome Variant Server 0.00331; gnomAD 0.00355 and 0.00359; ExAC 0.00436; gnomAD exomes 0.00436 and 0.00452.
gnomAD v4.1: 7,174 of 1,613,732 alleles (0.44%); highest among the groups gnomAD compares: Non-Finnish European, 0.46%; 38 homozygotes.

Submissions (6):

CeGaT Center for Human Genetics Tuebingen
Classification: Likely benign. Last evaluated: 2026-08-01. Review status: criteria provided, single submitter. Criteria: CeGaT Center For Human Genetics Tuebingen Variant Classification Criteria Version 2. Collection method: clinical testing. Allele origin: germline. Affected: yes. Observed: 18 variant alleles.
Comment: TRPA1: BP4, BS2

Labcorp Genetics (formerly Invitae), Labcorp
Classification: Benign. Last evaluated: 2019-12-31. Review status: criteria provided, single submitter. Criteria: Invitae Variant Classification Sherloc (09022015). Collection method: clinical testing. Allele origin: germline.

Dr. Peter K. Rogan Lab, Western University
No classification provided (evidence only). Condition: Lung cancer. Review status: no classification provided. Collection method: in vitro. Allele origin: not applicable. Functional consequence: retained intron. Not counted in ClinVar's aggregate classification.

Dr. Peter K. Rogan Lab, Western University
No classification provided (evidence only). Condition: Acute myeloid leukemia. Review status: no classification provided. Collection method: in vitro. Allele origin: not applicable. Functional consequence: retained intron. Not counted in ClinVar's aggregate classification.

Dr. Peter K. Rogan Lab, Western University
No classification provided (evidence only). Condition: Sarcoma. Review status: no classification provided. Collection method: in vitro. Allele origin: not applicable. Functional consequence: retained intron. Not counted in ClinVar's aggregate classification.

Dr. Peter K. Rogan Lab, Western University
No classification provided (evidence only). Condition: Thymoma. Review status: no classification provided. Collection method: in vitro. Allele origin: not applicable. Functional consequence: retained intron. Not counted in ClinVar's aggregate classification.

NM_007332.3(TRPA1):c.2937+6T>C

Genes: TRPA1 (transient receptor potential cation channel subfamily A member 1; minus strand), MSC-AS1 (MSC antisense RNA 1; plus strand). Cytogenetic location: 8q21.11.
Variant type: single nucleotide variant.
Coding change: c.2937+6T>C on transcript NM_007332.3 (MANE Select); 6 bases into the intron after coding-DNA position 2937, T replaced by C.
Molecular consequence: intron variant.
Genome position (GRCh38, 1-based): chr8:72,029,895, A>G on the plus strand (T>C on the coding strand, the complement: TRPA1 is on the minus strand). VCF-style: chr8-72029895-A-G. GRCh37 (hg19) VCF-style: chr8-72942130-A-G.
Other names: NC_000008.10:g.72942130A>G.
Identifiers: ClinVar variation 788822 (VCV000788822.35), dbSNP rs186828882, ClinGen allele CA4780385.